The following is an entry in ClinVar:

ClinVar aggregate classification (germline): Likely benign (0 of 4 stars; one submission).

Conditions:
CADPS-related disorder. Also called: CADPS-related condition.

Allele frequency attached by ClinVar (database versions not stated): 1000 Genomes Project 30x 0.00109; 1000 Genomes Project 0.00140; gnomAD 0.00173; ESP Exome Variant Server 0.00200; ExAC 0.00239.
gnomAD v4.1: 3,187 of 1,613,772 alleles (0.2%); highest among the groups gnomAD compares: Non-Finnish European, 0.24%; 2 homozygotes.

Submission:

PreventionGenetics, part of Exact Sciences
Classification: Likely benign for CADPS-related condition. Last evaluated: 2019-06-11. Review status: no assertion criteria provided. Collection method: clinical testing. Allele origin: germline.
Comment: This variant is classified as likely benign based on ACMG/AMP sequence variant interpretation guidelines (Richards et al. 2015 PMID: 25741868, with internal and published modifications).

NM_003716.4(CADPS):c.1182C>T (p.Val394=)

Gene: CADPS (calcium dependent secretion activator; minus strand). Cytogenetic location: 3p14.2.
Variant type: single nucleotide variant.
Coding change: c.1182C>T on transcript NM_003716.4 (MANE Select); coding-DNA position 1182, C replaced by T.
Protein change: p.Val394=; no amino-acid change (valine 394 retained).
Molecular consequence: synonymous variant.
Genome position (GRCh38, 1-based): chr3:62,650,868, G>A on the plus strand (C>T on the coding strand, the complement: CADPS is on the minus strand). VCF-style: chr3-62650868-G-A. GRCh37 (hg19) VCF-style: chr3-62636543-G-A.
Other names: c.1182C>T, p.Val394= (NM_183393.3, NM_183394.3).
Identifiers: ClinVar variation 3043799 (VCV003043799.2), dbSNP rs143096441, ClinGen allele CA2477107.
Genomic context (GRCh38, chr3:62,650,868, plus strand): 5'-GCTGTGCCAAGAAACTTTCAAGGGCTCAGGGCTTTTTACCTCCAATGAGAAAGACAGCAC[G>A]ACATCTGACTTGGAGAGCTGGTTCTCACTCTCCTCGCCCATGTCGATGATGGAAGCATTG-3'
Protein context (NP_003707.2, residues 384-404): ESENQLSKSD[Val394=]VLSFSLEVVI